The following is an entry in ClinVar:

NM_000143.4(FH):c.1382C>T (p.Pro461Leu)

Gene: FH (fumarate hydratase; minus strand). Cytogenetic location: 1q43.
Variant type: single nucleotide variant.
Coding change: c.1382C>T on transcript NM_000143.4 (MANE Select); coding-DNA position 1382, C replaced by T.
Protein change: p.Pro461Leu; replaces proline 461 with leucine.
Molecular consequence: missense variant.
Genome position (GRCh38, 1-based): chr1:241,500,445, G>A on the plus strand (C>T on the coding strand, the complement: FH is on the minus strand). VCF-style: chr1-241500445-G-A. GRCh37 (hg19) VCF-style: chr1-241663745-G-A.
Other names: short protein forms P461L.
Identifiers: ClinVar variation 2505594 (VCV002505594.5), dbSNP rs2527312747, ClinGen allele CA345436300.
Genomic context (GRCh38, chr1:241,500,445, plus strand): 5'-TAGCTTTTTAATTTTGCATTCAAAATGATATTATTATTCCTTAAACACTTACCTATATGA[G>A]GATTGAGAGCTGTCACCAACATTAGAGACTCATTCATCAGCTTGTTGATCCTTTCTGTAT-3'
Protein context (NP_000134.2, residues 451-471): ESLMLVTALN[Pro461Leu]HIGYDKAAKI

ClinVar aggregate classification (germline): Uncertain significance. Review status: criteria provided, multiple submitters, no conflicts (2 of 4 stars). 3 submissions from 3 submitters: Uncertain significance (3). Last evaluated 2024-10-25.

Conditions:
Hereditary cancer-predisposing syndrome. Also called: Hereditary Cancer Syndrome; Hereditary neoplastic syndrome; Neoplastic Syndromes, Hereditary; Tumor predisposition. Identifiers: Orphanet 140162, MedGen C0027672, MeSH D009386, MONDO:0015356.

Submissions (3):

Ambry Genetics
Classification: Uncertain significance for Hereditary cancer-predisposing syndrome. Last evaluated: 2024-10-25. Review status: criteria provided, single submitter. Criteria: Ambry Variant Classification Scheme 2023. Collection method: clinical testing. Allele origin: germline.
Comment: The p.P461L variant (also known as c.1382C>T), located in coding exon 9 of the FH gene, results from a C to T substitution at nucleotide position 1382. The proline at codon 461 is replaced by leucine, an amino acid with similar properties. This amino acid position is conserved. In addition, this alteration is predicted to be deleterious by in silico analysis. Based on the available evidence, the clinical significance of this variant remains unclear.

Labcorp Genetics (formerly Invitae), Labcorp
Classification: Uncertain significance. Last evaluated: 2022-12-26. Review status: criteria provided, single submitter. Criteria: Invitae Variant Classification Sherloc (09022015). Collection method: clinical testing. Allele origin: germline.
Comment: This sequence change replaces proline, which is neutral and non-polar, with leucine, which is neutral and non-polar, at codon 461 of the FH protein (p.Pro461Leu). This variant is not present in population databases (gnomAD no frequency). This variant has not been reported in the literature in individuals affected with FH-related conditions. Advanced modeling of protein sequence and biophysical properties (such as structural, functional, and spatial information, amino acid conservation, physicochemical variation, residue mobility, and thermodynamic stability) performed at Invitae indicates that this missense variant is expected to disrupt FH protein function. In summary, the available evidence is currently insufficient to determine the role of this variant in disease. Therefore, it has been classified as a Variant of Uncertain Significance.

GeneDx
Classification: Uncertain significance. Last evaluated: 2022-12-16. Review status: criteria provided, single submitter. Criteria: GeneDx Variant Classification Process June 2021. Collection method: clinical testing. Allele origin: germline. Affected: yes.
Comment: Not observed at significant frequency in large population cohorts (gnomAD); In silico analysis supports that this missense variant has a deleterious effect on protein structure/function; Has not been previously published as pathogenic or benign to our knowledge